The following is an entry in ClinVar:

NM_017999.5(RNF31):c.998G>T (p.Gly333Val)

Gene: RNF31 (ring finger protein 31; plus strand). Cytogenetic location: 14q12.
Variant type: single nucleotide variant.
Coding change: c.998G>T on transcript NM_017999.5 (MANE Select); coding-DNA position 998, G replaced by T.
Protein change: p.Gly333Val; replaces glycine 333 with valine.
Molecular consequence: missense variant.
Genome position (GRCh38, 1-based): chr14:24,150,249, G>T. VCF-style: chr14-24150249-G-T. GRCh37 (hg19) VCF-style: chr14-24619458-G-T.
Other names: c.545G>T, p.Gly182Val (NM_001310332.2); short protein forms G182V, G333V.
Identifiers: ClinVar variation 1404460 (VCV001404460.8), dbSNP rs755851267, ClinGen allele CA7125678.

ClinVar aggregate classification (germline): Uncertain significance (1 of 4 stars; one submission).

Allele frequency attached by ClinVar (database versions not stated): ExAC 0.00016; gnomAD exomes 0.00021.

Submission:

Labcorp Genetics (formerly Invitae), Labcorp
Classification: Uncertain significance. Last evaluated: 2025-12-16. Review status: criteria provided, single submitter. Criteria: Invitae Variant Classification Sherloc (09022015). Collection method: clinical testing. Allele origin: germline.
Comment: This sequence change replaces glycine, which is neutral and non-polar, with valine, which is neutral and non-polar, at codon 333 of the RNF31 protein (p.Gly333Val). This variant is present in population databases (rs755851267, gnomAD 0.2%), and has an allele count higher than expected for a pathogenic variant. This variant has not been reported in the literature in individuals affected with RNF31-related conditions. ClinVar contains an entry for this variant (Variation ID: 1404460). An algorithm developed to predict the effect of missense changes on protein structure and function (PolyPhen-2) suggests that this variant is likely to be tolerated. In summary, the available evidence is currently insufficient to determine the role of this variant in disease. Therefore, it has been classified as a Variant of Uncertain Significance.